The following is an entry in ClinVar:

NM_002098.6(GUCA1B):c.*1088G>C

Gene: GUCA1B (guanylate cyclase activator 1B; minus strand). Cytogenetic location: 6p21.1.
Variant type: single nucleotide variant.
Coding change: c.*1088G>C on transcript NM_002098.6 (MANE Select); 1088 bases downstream of the stop codon, G replaced by C.
Molecular consequence: 3 prime UTR variant.
Genome position (GRCh38, 1-based): chr6:42,183,727, C>G on the plus strand (G>C on the coding strand, the complement: GUCA1B is on the minus strand). VCF-style: chr6-42183727-C-G. GRCh37 (hg19) VCF-style: chr6-42151465-C-G.
Identifiers: ClinVar variation 356704 (VCV000356704.6), dbSNP rs76451756, ClinGen allele CA10626696.
Genomic context (GRCh38, chr6:42,183,727, plus strand): 5'-AGAAGCCAAGCCCAGCCCACAATCCCAGTCAACAGTCCCCCAATTCTTGCCAGAGACAGA[C>G]AGAAGTTTTCTCCATCCTTTAAAGAGAAACATTCAGCTTATGGCTGGGAGTTGTGGAAGG-3'

ClinVar aggregate classification (germline): Benign (1 of 4 stars; one submission).

Conditions:
Retinitis pigmentosa (RP). Identifiers: Orphanet 791, MedGen C0035334, MeSH D012174, MONDO:0019200, OMIM 268000. Inheritance: Autosomal dominant, autosomal recessive and X linked inheritance.

Allele frequency attached by ClinVar (database versions not stated): gnomAD 0.01451 and 0.01569; TOPMed 0.01639; 1000 Genomes Project 0.01737; 1000 Genomes Project 30x 0.01874.
gnomAD v4.1: 2,184 of 152,214 alleles (1.4%); highest among the groups gnomAD compares: African/African-American, 5%; 53 homozygotes.

Submission:

Illumina Laboratory Services, Illumina
Classification: Benign for Retinitis pigmentosa. Last evaluated: 2018-01-12. Review status: criteria provided, single submitter. Criteria: ICSL Variant Classification Criteria 13 December 2019. Collection method: clinical testing. Allele origin: germline.
Comment: This variant was observed in the ICSL laboratory as part of a predisposition screen in an ostensibly healthy population. It had not been previously curated by ICSL or reported in the Human Gene Mutation Database (HGMD: prior to June 1st, 2018), and was therefore a candidate for classification through an automated scoring system. Utilizing variant allele frequency, disease prevalence and penetrance estimates, and inheritance mode, an automated score was calculated to assess if this variant is too frequent to cause the disease. Based on the score and internal cut-off values, a variant classified as benign is not then subjected to further curation. The score for this variant resulted in a classification of benign for this disease.